The following is an entry in ClinVar:

ClinVar aggregate classification (germline): Uncertain significance. Review status: criteria provided, multiple submitters, no conflicts (2 of 4 stars). 2 submissions from 2 submitters: Uncertain significance (2). Last evaluated 2026-08-31.

Conditions:
CHARGE syndrome (CHARGE). Also called: Hittner Hirsch Kreh syndrome; Coloboma, heart anomaly, choanal atresia, retardation, genital and ear anomalies; CHARGE association; Hall-Hittner syndrome; CHARGE ASSOCIATION--COLOBOMA, HEART ANOMALY, CHOANAL ATRESIA, RETARDATION, GENITAL AND EAR ANOMALIES. Identifiers: Orphanet 138, MedGen C0265354, MONDO:0008965.
Inborn genetic diseases. Identifiers: MedGen C0950123, MeSH D030342.

Submissions (2):

Ambry Genetics
Classification: Uncertain significance for Inborn genetic diseases. Last evaluated: 2026-08-31. Review status: criteria provided, single submitter. Criteria: Ambry Variant Classification Scheme 2023. Collection method: clinical testing. Allele origin: germline.

Labcorp Genetics (formerly Invitae), Labcorp
Classification: Uncertain significance for CHARGE syndrome. Last evaluated: 2025-06-02. Review status: criteria provided, single submitter. Criteria: Invitae Variant Classification Sherloc (09022015). Collection method: clinical testing. Allele origin: germline.
Comment: This sequence change replaces serine, which is neutral and polar, with asparagine, which is neutral and polar, at codon 293 of the CHD7 protein (p.Ser293Asn). This variant is not present in population databases (gnomAD no frequency). This variant has not been reported in the literature in individuals affected with CHD7-related conditions. ClinVar contains an entry for this variant (Variation ID: 1042283). Invitae Evidence Modeling of protein sequence and biophysical properties (such as structural, functional, and spatial information, amino acid conservation, physicochemical variation, residue mobility, and thermodynamic stability) indicates that this missense variant is not expected to disrupt CHD7 protein function with a negative predictive value of 95%. In summary, the available evidence is currently insufficient to determine the role of this variant in disease. Therefore, it has been classified as a Variant of Uncertain Significance.

NM_017780.4(CHD7):c.878G>A (p.Ser293Asn)

Gene: CHD7 (chromodomain helicase DNA binding protein 7; plus strand). Cytogenetic location: 8q12.2.
Variant type: single nucleotide variant.
Coding change: c.878G>A on transcript NM_017780.4 (MANE Select); coding-DNA position 878, G replaced by A.
Protein change: p.Ser293Asn; replaces serine 293 with asparagine.
Molecular consequence: missense variant.
Genome position (GRCh38, 1-based): chr8:60,742,310, G>A. VCF-style: chr8-60742310-G-A. GRCh37 (hg19) VCF-style: chr8-61654869-G-A.
Other names: c.878G>A, p.Ser293Asn (NM_001316690.1); c.878G>A (NM_017780.3); short protein forms S293N.
Identifiers: ClinVar variation 1042283 (VCV001042283.9), dbSNP rs1809079469, ClinGen allele CA371299842.